The following is an entry in ClinVar:

NM_005219.5(DIAPH1):c.3709C>A (p.Leu1237Met)

Gene: DIAPH1 (diaphanous related formin 1; minus strand). Cytogenetic location: 5q31.3.
Variant type: single nucleotide variant.
Coding change: c.3709C>A on transcript NM_005219.5 (MANE Select); coding-DNA position 3709, C replaced by A.
Protein change: p.Leu1237Met; replaces leucine 1237 with methionine.
Molecular consequence: missense variant. On other transcripts: 3 prime UTR variant (1).
Genome position (GRCh38, 1-based): chr5:141,516,961, G>T on the plus strand (C>A on the coding strand, the complement: DIAPH1 is on the minus strand). VCF-style: chr5-141516961-G-T. GRCh37 (hg19) VCF-style: chr5-140896528-G-T.
Other names: c.3682C>A, p.Leu1228Met (NM_001079812.3); c.*9C>A (NM_001314007.2); short protein forms L1228M, L1237M.
Identifiers: ClinVar variation 2943468 (VCV002943468.3), dbSNP rs1449303982, ClinGen allele CA361572555.

ClinVar aggregate classification (germline): Uncertain significance (1 of 4 stars; one submission).

Conditions:
Progressive microcephaly-seizures-cortical blindness-developmental delay syndrome. Also called: Seizures, cortical blindness, and microcephaly syndrome. Identifiers: Orphanet 477814, MedGen C5567650, MONDO:0014714, OMIM 616632.
Autosomal dominant nonsyndromic hearing loss 1. Also called: KONIGSMARK SYNDROME; DEAFNESS, AUTOSOMAL DOMINANT 1, WITH OR WITHOUT THROMBOCYTOPENIA. Identifiers: Orphanet 90635, MedGen C1852282, MONDO:0007424, OMIM 124900.

Submission:

Labcorp Genetics (formerly Invitae), Labcorp
Classification: Uncertain significance for Progressive microcephaly-seizures-cortical blindness-developmental delay syndrome; Autosomal dominant nonsyndromic hearing loss 1. Last evaluated: 2023-01-20. Review status: criteria provided, single submitter. Criteria: Invitae Variant Classification Sherloc (09022015). Collection method: clinical testing. Allele origin: germline.
Comment: In summary, the available evidence is currently insufficient to determine the role of this variant in disease. Therefore, it has been classified as a Variant of Uncertain Significance. Algorithms developed to predict the effect of missense changes on protein structure and function are either unavailable or do not agree on the potential impact of this missense change (SIFT: "Deleterious"; PolyPhen-2: "Possibly Damaging"; Align-GVGD: "Class C0"). This variant has not been reported in the literature in individuals affected with DIAPH1-related conditions. This variant is present in population databases (no rsID available, gnomAD 0.01%). This sequence change replaces leucine, which is neutral and non-polar, with methionine, which is neutral and non-polar, at codon 1237 of the DIAPH1 protein (p.Leu1237Met).